The following is an entry in ClinVar:

ClinVar aggregate classification (germline): Uncertain significance (1 of 4 stars; one submission).

Submission:

Labcorp Genetics (formerly Invitae), Labcorp
Classification: Uncertain significance. Last evaluated: 2022-06-22. Review status: criteria provided, single submitter. Criteria: Invitae Variant Classification Sherloc (09022015). Collection method: clinical testing. Allele origin: germline.
Comment: This variant has not been reported in the literature in individuals affected with LAMC3-related conditions. This variant is not present in population databases (gnomAD no frequency). This variant, c.2986_2997del, results in the deletion of 4 amino acid(s) of the LAMC3 protein (p.Arg996_Asp999del), but otherwise preserves the integrity of the reading frame. In summary, the available evidence is currently insufficient to determine the role of this variant in disease. Therefore, it has been classified as a Variant of Uncertain Significance. Algorithms developed to predict the effect of sequence changes on RNA splicing suggest that this variant may create or strengthen a splice site.

NM_006059.4(LAMC3):c.2986_2997del (p.Arg996_Asp999del)

Gene: LAMC3 (laminin subunit gamma 3; plus strand). Cytogenetic location: 9q34.12.
Variant type: Deletion.
Coding change: c.2986_2997del on transcript NM_006059.4 (MANE Select); coding-DNA positions 2986 to 2997, 12 bases deleted (CGCTGCCACGAC).
Protein change: p.Arg996_Asp999del.
Molecular consequence: inframe deletion.
Genome position (GRCh38, 1-based): chr9:131,069,767-131,069,778, CGCTGCCACGAC deleted; deleting any 12 consecutive bases within chr9:131,069,764-131,069,778 gives the same sequence; the c. name uses the placement nearest the transcript's 3' end. VCF-style (leftmost placement, unchanged base first): chr9-131069763-TGACCGCTGCCAC-T. GRCh37 (hg19) VCF-style: chr9-133945150-TGACCGCTGCCAC-T.
Identifiers: ClinVar variation 2008953 (VCV002008953.4), dbSNP rs1830008531, ClinGen allele CA1881538940.